The following is an entry in ClinVar:

NM_005006.7(NDUFS1):c.1186G>A (p.Glu396Lys)

Gene: NDUFS1 (NADH:ubiquinone oxidoreductase core subunit S1; minus strand). Cytogenetic location: 2q33.3.
Variant type: single nucleotide variant.
Coding change: c.1186G>A on transcript NM_005006.7 (MANE Select); coding-DNA position 1186, G replaced by A.
Protein change: p.Glu396Lys; replaces glutamic acid 396 with lysine.
Molecular consequence: missense variant.
Genome position (GRCh38, 1-based): chr2:206,142,017, C>T on the plus strand (G>A on the coding strand, the complement: NDUFS1 is on the minus strand). VCF-style: chr2-206142017-C-T. GRCh37 (hg19) VCF-style: chr2-207006741-C-T.
Other names: p.Glu396Lys; c.1078G>A, p.Glu360Lys (NM_001199981.2); c.853G>A, p.Glu285Lys (NM_001199982.2); c.1015G>A, p.Glu339Lys (NM_001199983.2); c.1228G>A, p.Glu410Lys (NM_001199984.2); short protein forms E360K, E410K, E339K, E396K, E285K.
Identifiers: ClinVar variation 1376865 (VCV001376865.7), dbSNP rs141724890, ClinGen allele CA2070531.
Genomic context (GRCh38, chr2:206,142,017, plus strand): 5'-CATTAAACAGTGGTGCCTCAAAACGTGGGTTTGTACCAACCAGAAGAACAACATCTGCCT[C>T]TTCCACACCAGCAATTGTAGTATTAAGAAGATAATTGGAACGCAAATCTGTGCTAGAAAT-3'
Protein context (NP_004997.4, residues 386-406): LLNTTIAGVE[Glu396Lys]ADVVLLVGTN

ClinVar aggregate classification (germline): Uncertain significance. Review status: criteria provided, multiple submitters, no conflicts (2 of 4 stars). 3 submissions from 3 submitters: Uncertain significance (3). Last evaluated 2024-08-06.

Allele frequency attached by ClinVar (database versions not stated): ExAC 0.00008; gnomAD exomes 0.00008 and 0.00013; gnomAD 0.00009; TOPMed 0.00010; ESP Exome Variant Server 0.00023.
gnomAD v4.1: 202 of 1,607,242 alleles (0.013%); highest among the groups gnomAD compares: Non-Finnish European, 0.016%; no homozygotes.

Submissions (3):

Blueprint Genetics
Classification: Uncertain significance. Last evaluated: 2024-08-06. Review status: criteria provided, single submitter. Criteria: ACMG Guidelines, 2015. Collection method: clinical testing. Allele origin: germline.

Mayo Clinic Laboratories, Mayo Clinic
Classification: Uncertain significance. Last evaluated: 2023-05-11. Review status: criteria provided, single submitter. Criteria: ACMG Guidelines, 2015. Collection method: clinical testing. Allele origin: germline. Observed: 1 variant allele.

Labcorp Genetics (formerly Invitae), Labcorp
Classification: Uncertain significance. Last evaluated: 2022-06-28. Review status: criteria provided, single submitter. Criteria: Invitae Variant Classification Sherloc (09022015). Collection method: clinical testing. Allele origin: germline.
Comment: In summary, the available evidence is currently insufficient to determine the role of this variant in disease. Therefore, it has been classified as a Variant of Uncertain Significance. Algorithms developed to predict the effect of missense changes on protein structure and function are either unavailable or do not agree on the potential impact of this missense change (SIFT: "Deleterious"; PolyPhen-2: "Benign"; Align-GVGD: "Class C15"). This variant has not been reported in the literature in individuals affected with NDUFS1-related conditions. This variant is present in population databases (rs141724890, gnomAD 0.01%). This sequence change replaces glutamic acid, which is acidic and polar, with lysine, which is basic and polar, at codon 396 of the NDUFS1 protein (p.Glu396Lys).